The following is an entry in ClinVar:

ClinVar aggregate classification (germline): Uncertain significance (1 of 4 stars; one submission).

Submission:

Labcorp Genetics (formerly Invitae), Labcorp
Classification: Uncertain significance. Last evaluated: 2022-03-12. Review status: criteria provided, single submitter. Criteria: Invitae Variant Classification Sherloc (09022015). Collection method: clinical testing. Allele origin: germline.
Comment: This variant is not present in population databases (gnomAD no frequency). This sequence change replaces glycine, which is neutral and non-polar, with serine, which is neutral and polar, at codon 853 of the ZNF335 protein (p.Gly853Ser). In summary, the available evidence is currently insufficient to determine the role of this variant in disease. Therefore, it has been classified as a Variant of Uncertain Significance. Algorithms developed to predict the effect of missense changes on protein structure and function output the following: SIFT: "Tolerated"; PolyPhen-2: "Benign"; Align-GVGD: "Class C0". The serine amino acid residue is found in multiple mammalian species, which suggests that this missense change does not adversely affect protein function. This variant has not been reported in the literature in individuals affected with ZNF335-related conditions.

NM_022095.4(ZNF335):c.2557G>A (p.Gly853Ser)

Gene: ZNF335 (zinc finger protein 335; minus strand). Cytogenetic location: 20q13.12.
Variant type: single nucleotide variant.
Coding change: c.2557G>A on transcript NM_022095.4 (MANE Select); coding-DNA position 2557, G replaced by A.
Protein change: p.Gly853Ser; replaces glycine 853 with serine.
Molecular consequence: missense variant.
Genome position (GRCh38, 1-based): chr20:45,953,834, C>T on the plus strand (G>A on the coding strand, the complement: ZNF335 is on the minus strand). VCF-style: chr20-45953834-C-T. GRCh37 (hg19) VCF-style: chr20-44582473-C-T.
Other names: short protein forms G853S.
Identifiers: ClinVar variation 2109725 (VCV002109725.4), dbSNP rs1440897241, ClinGen allele CA409240701.